The following is an entry in ClinVar:

ClinVar aggregate classification (germline): Uncertain significance. Review status: criteria provided, single submitter (1 of 4 stars). 2 submissions from 2 submitters: Uncertain significance (1). 1 of the submissions does not count toward it. Last evaluated 2025-11-22.

Conditions:
Leber congenital amaurosis 2 (LCA2). Also called: Autosomal Recessive RPE65-Related Retinal Degeneration; AMAUROSIS CONGENITA OF LEBER II. Identifiers: Orphanet 65, MedGen C1859844, MONDO:0008765, OMIM 204100. Disease mechanism: loss of function.
Retinitis pigmentosa 20 (RP20). Identifiers: Orphanet 791, MedGen C3151086, MONDO:0013425, OMIM 613794.
Leber congenital amaurosis (LCA). Also called: Leber's amaurosis. Identifiers: Orphanet 65, MedGen C0339527, MeSH D057130, MONDO:0018998.

Allele frequency attached by ClinVar (database versions not stated): gnomAD exomes below 0.00001; ExAC 0.00001; gnomAD 0.00001 and 0.00002; TOPMed 0.00002.
gnomAD v4.1: 6 of 1,613,402 alleles (0.00037%); highest among the groups gnomAD compares: East Asian, 0.0045%; no homozygotes.

Submissions (2):

Labcorp Genetics (formerly Invitae), Labcorp
Classification: Uncertain significance for Leber congenital amaurosis 2; Retinitis pigmentosa 20. Last evaluated: 2025-11-22. Review status: criteria provided, single submitter. Criteria: Invitae Variant Classification Sherloc (09022015). Collection method: clinical testing. Allele origin: germline.
Comment: This sequence change falls in intron 12 of the RPE65 gene. It does not directly change the encoded amino acid sequence of the RPE65 protein. This variant is present in population databases (rs746665921, gnomAD 0.005%). This variant has been observed in individual(s) with RPE65-related conditions (internal data). ClinVar contains an entry for this variant (Variation ID: 935854). Algorithms developed to predict the effect of sequence changes on RNA splicing suggest that this variant may create or strengthen a splice site. In summary, the available evidence is currently insufficient to determine the role of this variant in disease. Therefore, it has been classified as a Variant of Uncertain Significance.

Natera, Inc.
Classification: Uncertain significance for Leber congenital amaurosis. Last evaluated: 2020-05-29. Review status: no assertion criteria provided. Collection method: clinical testing. Allele origin: germline. Not counted in ClinVar's aggregate classification.

NM_000329.3(RPE65):c.1339-4A>G

Gene: RPE65 (retinoid isomerohydrolase RPE65; minus strand). Cytogenetic location: 1p31.3.
Variant type: single nucleotide variant.
Coding change: c.1339-4A>G on transcript NM_000329.3 (MANE Select); 4 bases into the intron before coding-DNA position 1339, A replaced by G.
Molecular consequence: intron variant.
Genome position (GRCh38, 1-based): chr1:68,431,180, T>C on the plus strand (A>G on the coding strand, the complement: RPE65 is on the minus strand). VCF-style: chr1-68431180-T-C. GRCh37 (hg19) VCF-style: chr1-68896863-T-C.
Identifiers: ClinVar variation 935854 (VCV000935854.6), dbSNP rs746665921, ClinGen allele CA902191.